The following is an entry in ClinVar:

ClinVar aggregate classification (germline): Likely pathogenic (1 of 4 stars; one submission).

Conditions:
Familial thoracic aortic aneurysm and aortic dissection (TAAD). Also called: Thoracic aortic aneurysms and dissections. Identifiers: Orphanet 91387, MedGen C4707243, MONDO:0019625.

Submission:

Ambry Genetics
Classification: Likely pathogenic for Familial thoracic aortic aneurysm and aortic dissection. Last evaluated: 2018-10-24. Review status: criteria provided, single submitter. Criteria: Ambry Variant Classification Scheme 2023. Collection method: clinical testing. Allele origin: germline.
Comment: The p.C2017G variant (also known as c.6049T>G), located in coding exon 49 of the FBN1 gene, results from a T to G substitution at nucleotide position 6049. The cysteine at codon 2017 is replaced by glycine, an amino acid with highly dissimilar properties, and is located in the cbEGF-like #31 domain. Based on internal structural assessment, this alteration results in loss of a structurally important disulfide in cbEGF domain 31 (Lee SS et al. Structure, 2004 Apr;12:717-29). In addition, other alterations affecting the same amino acid, p.C2017W (c.6051T>G) and p.C2017R (c.6049T>C), have been reported in association with Marfan syndrome (Liu WO et al. Genet. Test. 1997;1:237-42; Proost D et al. Hum. Mutat., 2015 Aug;36:808-14). The majority of FBN1 mutations identified to date have involved the substitution or generation of cysteine residues within cbEGF domains (Vollbrandt T et al. J Biol Chem. 2004;279(31):32924-32931). This variant was not reported in population-based cohorts in the Genome Aggregation Database (gnomAD). This amino acid position is highly conserved in available vertebrate species. In addition, this alteration is predicted to be deleterious by in silico analysis. Based on the majority of available evidence to date, this variant is likely to be pathogenic.

Literature cited by the submitters: PubMed 10464652; PubMed 15062093; PubMed 25907466.

NM_000138.5(FBN1):c.6049T>G (p.Cys2017Gly)

Gene: FBN1 (fibrillin 1; minus strand). Cytogenetic location: 15q21.1.
Variant type: single nucleotide variant.
Coding change: c.6049T>G on transcript NM_000138.5 (MANE Select); coding-DNA position 6049, T replaced by G.
Protein change: p.Cys2017Gly; replaces cysteine 2017 with glycine.
Molecular consequence: missense variant.
Genome position (GRCh38, 1-based): chr15:48,441,835, A>C on the plus strand (T>G on the coding strand, the complement: FBN1 is on the minus strand). VCF-style: chr15-48441835-A-C. GRCh37 (hg19) VCF-style: chr15-48734032-A-C.
Other names: c.6049T>G, p.Cys2017Gly (NM_001406716.1); short protein forms C2017G.
Identifiers: ClinVar variation 1751258 (VCV001751258.2), dbSNP rs1555395486, ClinGen allele CA392338614.